The following is an entry in ClinVar:

NM_001943.5(DSG2):c.1707G>C (p.Gln569His)

Gene: DSG2 (desmoglein 2; plus strand). Cytogenetic location: 18q12.1.
Variant type: single nucleotide variant.
Coding change: c.1707G>C on transcript NM_001943.5 (MANE Select); coding-DNA position 1707, G replaced by C.
Protein change: p.Gln569His; replaces glutamine 569 with histidine.
Molecular consequence: missense variant.
Genome position (GRCh38, 1-based): chr18:31,538,806, G>C. VCF-style: chr18-31538806-G-C. GRCh37 (hg19) VCF-style: chr18-29118769-G-C.
Other names: short protein forms Q569H.
Identifiers: ClinVar variation 848271 (VCV000848271.16), dbSNP rs370097438, ClinGen allele CA043476.
Genomic context (GRCh38, chr18:31,538,806, plus strand): 5'-TGTAGGTACCAGTGTGCTGCTGCAACAAAGTGAGAAAAAGCTTGGGAGAAGTGAAATTCA[G>C]TTCCTGATTTCAGACAATCAGGGTTTTAGTTGTCCTGAAAAGCAGGTCCTTACACTCACA-3'
Protein context (NP_001934.2, residues 559-579): SEKKLGRSEI[Gln569His]FLISDNQGFS

ClinVar aggregate classification (germline): Conflicting classifications of pathogenicity. Review status: criteria provided, conflicting classifications (1 of 4 stars). 5 submissions from 5 submitters: Uncertain significance (3); Likely benign (2). Last evaluated 2024-08-29.

Conditions:
Cardiovascular phenotype. Identifiers: MedGen CN230736.
Arrhythmogenic right ventricular dysplasia 10. Also called: Arrhythmogenic Right Ventricular Dysplasia/Cardiomyopathy10; ARRHYTHMOGENIC RIGHT VENTRICULAR DYSPLASIA, FAMILIAL, 10; Arrhythmogenic right ventricular dysplasia/cardiomyopathy, type 10. Identifiers: MedGen C1857777, MONDO:0012434, OMIM 610193.
Dilated cardiomyopathy 1BB (CMD1BB). Also called: CARDIOMYOPATHY, DILATED, 1BB, SUSCEPTIBILITY TO. Identifiers: Orphanet 154, MedGen C2752072, MONDO:0013030, OMIM 612877.
Arrhythmogenic right ventricular cardiomyopathy (ARVD). Also called: Cardiomyopathy, ARVC; Arrhythmogenic right ventricular dysplasia; Arrhythmogenic cardiomyopathy; Arrhythmogenic Right Ventricular Cardiomyopathy (ARVC). Identifiers: Orphanet 247, MedGen C0349788, MeSH D019571, MONDO:0016587. Disease mechanism: loss of function. Inheritance: Various modes of inheritance.
Cardiomyopathy (CMYO). Also called: Cardiomyopathies. Identifiers: Orphanet 167848, MedGen C0878544, MONDO:0004994, HP:0001638. Inheritance: Various modes of inheritance.

Allele frequency attached by ClinVar (database versions not stated): TOPMed 0.00003; ESP Exome Variant Server 0.00008.
gnomAD v4.1: 38 of 1,614,196 alleles (0.0024%); highest among the groups gnomAD compares: Non-Finnish European, 0.0031%; no homozygotes.

Submissions (5):

Color Diagnostics, LLC DBA Color Health
Classification: Likely benign for Cardiomyopathy. Last evaluated: 2024-08-29. Review status: criteria provided, single submitter. Criteria: ACMG Guidelines, 2015. Collection method: clinical testing. Allele origin: germline.

Labcorp Genetics (formerly Invitae), Labcorp
Classification: Uncertain significance for Arrhythmogenic right ventricular dysplasia 10. Last evaluated: 2024-02-09. Review status: criteria provided, single submitter. Criteria: Invitae Variant Classification Sherloc (09022015). Collection method: clinical testing. Allele origin: germline.
Comment: This sequence change replaces glutamine, which is neutral and polar, with histidine, which is basic and polar, at codon 569 of the DSG2 protein (p.Gln569His). This variant is present in population databases (rs370097438, gnomAD 0.007%). This variant has not been reported in the literature in individuals affected with DSG2-related conditions. ClinVar contains an entry for this variant (Variation ID: 848271). Advanced modeling of protein sequence and biophysical properties (such as structural, functional, and spatial information, amino acid conservation, physicochemical variation, residue mobility, and thermodynamic stability) performed at Invitae indicates that this missense variant is not expected to disrupt DSG2 protein function with a negative predictive value of 95%. In summary, the available evidence is currently insufficient to determine the role of this variant in disease. Therefore, it has been classified as a Variant of Uncertain Significance.

All of Us Research Program, National Institutes of Health
Classification: Likely benign for Arrhythmogenic right ventricular cardiomyopathy. Last evaluated: 2023-12-13. Review status: criteria provided, single submitter. Criteria: ACMG Guidelines, 2015. Collection method: clinical testing. Allele origin: germline. Inheritance: Autosomal dominant inheritance. Observed: 8 variant alleles, 8 heterozygotes.
Comment: This study involves interpretation of variants in research participants for the purpose of population health screening. Participant phenotype was not available at the time of variant classification. Additional details can be found in publication PMID: 35346344, PMCID: PMC8962531

Ambry Genetics
Classification: Uncertain significance for Cardiovascular phenotype. Last evaluated: 2022-04-09. Review status: criteria provided, single submitter. Criteria: Ambry Variant Classification Scheme 2023. Collection method: clinical testing. Allele origin: germline.
Comment: The p.Q569H variant (also known as c.1707G>C), located in coding exon 12 of the DSG2 gene, results from a G to C substitution at nucleotide position 1707. The glutamine at codon 569 is replaced by histidine, an amino acid with highly similar properties. This amino acid position is conserved. In addition, this alteration is predicted to be tolerated by in silico analysis. Since supporting evidence is limited at this time, the clinical significance of this alteration remains unclear.

Clinical Genomics Laboratory, Stanford Medicine
Classification: Uncertain significance for Arrhythmogenic right ventricular dysplasia 10; Dilated cardiomyopathy 1BB. Last evaluated: 2022-03-16. Review status: criteria provided, single submitter. Criteria: ACMG Guidelines, 2015. Collection method: clinical testing. Allele origin: germline. Observed: 1 variant allele, 1 heterozygote.
Comment: The p.Gln569His variant in the DSG2 gene has not been previously reported in association with disease. This variant has been identified in 8/112,972 European (non-Finnish) chromosomes by the Genome Aggregation Database. Computational tools predict that this variant does not impact protein function; however, the accuracy of in silico algorithms is limited. These data were assessed using the ACMG/AMP variant interpretation guidelines. In summary, the significance of the p.Gln569His variant is uncertain. Additional information is needed to resolve the significance of this variant. [ACMG evidence codes used: BP4]